The following is an entry in ClinVar:

NM_001048174.2(MUTYH):c.616G>A (p.Val206Met)

Gene: MUTYH (mutY DNA glycosylase; minus strand). Cytogenetic location: 1p34.1.
Variant type: single nucleotide variant.
Coding change: c.616G>A on transcript NM_001048174.2 (MANE Select); coding-DNA position 616, G replaced by A.
Protein change: p.Val206Met; replaces valine 206 with methionine.
Molecular consequence: missense variant. On other transcripts: non-coding transcript variant (2).
Genome position (GRCh38, 1-based): chr1:45,332,479, C>T on the plus strand (G>A on the coding strand, the complement: MUTYH is on the minus strand). VCF-style: chr1-45332479-C-T. GRCh37 (hg19) VCF-style: chr1-45798151-C-T.
Other names: p.V234M:GTG>ATG; c.616G>A, p.Val206Met (NM_001048171.2, NM_001048173.2, NM_001293195.2); c.619G>A, p.Val207Met (NM_001048172.2); c.700G>A, p.Val234Met (NM_001128425.2); c.661G>A, p.Val221Met (NM_001293190.2); c.649G>A, p.Val217Met (NM_001293191.2); c.340G>A, p.Val114Met (NM_001293192.2, NM_001293196.2); c.271G>A, p.Val91Met (NM_001350650.2, NM_001350651.2); and 1 more; short protein forms V234M, V220M, V231M, V114M, V217M, V91M, V207M, V206M.
Identifiers: ClinVar variation 135989 (VCV000135989.73), dbSNP rs200165598, ClinGen allele CA014145.

ClinVar aggregate classification (germline): Conflicting classifications of pathogenicity. Review status: criteria provided, conflicting classifications (1 of 4 stars). 22 submissions from 22 submitters: Pathogenic (4); Likely pathogenic (11); Uncertain significance (6). 1 of the submissions does not count toward it. Last evaluated 2026-07-02.

Conditions:
MUTYH-related disorder. Also called: MUTYH-related disorders; MUTYH-related condition.
Familial adenomatous polyposis 2. Also called: COLORECTAL ADENOMATOUS POLYPOSIS, AUTOSOMAL RECESSIVE; ADENOMAS, MULTIPLE COLORECTAL, AUTOSOMAL RECESSIVE; MUTYH Polyposis; MYH-associated polyposis; FAP type 2; Adenomas, multiple colorectal. Identifiers: Orphanet 220460, Orphanet 247798, MedGen C3272841, MONDO:0012041, OMIM 608456.
Gastric cancer. Also called: Malignant tumor of stomach; Stomach cancer. Identifiers: MedGen C0024623, MeSH D013274, MONDO:0001056, OMIM 613659, HP:0012126.
Hereditary cancer-predisposing syndrome. Also called: Neoplastic Syndromes, Hereditary; Tumor predisposition; Hereditary Cancer Syndrome; Hereditary neoplastic syndrome. Identifiers: Orphanet 140162, MedGen C0027672, MeSH D009386, MONDO:0015356.

Allele frequency attached by ClinVar (database versions not stated): gnomAD exomes 0.00008 and 0.00025; ExAC 0.00013; TOPMed 0.00013; ESP Exome Variant Server 0.00015; gnomAD 0.00015 and 0.00016.

Submissions 1 to 6 of 22:

PreventionGenetics, part of Exact Sciences
Classification: Pathogenic for MUTYH-related condition. Last evaluated: 2026-07-02. Review status: criteria provided, single submitter. Criteria: ACMG Guidelines, 2015. Collection method: clinical testing. Allele origin: germline.
Comment: The MUTYH c.700G>A variant is predicted to result in the amino acid substitution p.Val234Met. In the literature, this variant is also reported as c.658G>A (p.Val220Met) via NM_001048171. This variant has been reported in the heterozygous state in individuals and families with colorectal cancer or those undergoing genetic testing for Lynch syndrome (Fleischmann et al. 2004. Pubmed ID: 14991577; Peterlongo et al. 2006. PubMed ID: 16774938; Supplemental Table 2, Yurgelun et al. 2015. PubMed ID: 25980754) and in trans with another MUTYH variant in individuals from the same family with colorectal cancer and/or >15 polyps (Supplemental Table, Tsai et al. 2018. PubMed ID: 30374176). This variant is reported in 0.018% of alleles in individuals of European (Non-Finnish) descent in gnomAD and has been reported in control populations (Peterlongo et al. 2006. PubMed ID: 16774938). Functional studies analyzing base excision repair activity have shown that this variant leads to partially defective function (Komine et al. 2015. PubMed ID: 25820570), or nearly fully retained function (Shinmura et al. 2016. PubMed ID: 26694661). This variant has conflicting interpretations regarding its pathogenicity in ClinVar, ranging from uncertain significance to pathogenic (Variation ID: 135989). This variant is interpreted as pathogenic.

St. Jude Molecular Pathology, St. Jude Children's Research Hospital
Classification: Likely pathogenic for Familial adenomatous polyposis 2. Last evaluated: 2026-02-11. Review status: criteria provided, single submitter. Criteria: St. Jude Assertion Criteria 2020. Collection method: clinical testing. Allele origin: germline.
Comment: The MUTYH c.700G>A p.(Val234Met) missense change has a maximum subpopulation frequency of 0.018% in gnomAD v2.1.1. The in silico tool REVEL predicts a damaging effect on protein function and experimental studies have demonstrated partially reduced function in Escherichia coli (PMID: 25820570). This variant has been reported in conjunction with a pathogenic MUTYH variant in a family with colon cancer and polyposis (PMID: 30374176). In summary, this variant meets criteria to be classified as likely pathogenic.

Labcorp Genetics (formerly Invitae), Labcorp
Classification: Pathogenic for Familial adenomatous polyposis 2. Last evaluated: 2026-02-02. Review status: criteria provided, single submitter. Criteria: Invitae Variant Classification Sherloc (09022015). Collection method: clinical testing. Allele origin: germline.
Comment: This sequence change replaces valine, which is neutral and non-polar, with methionine, which is neutral and non-polar, at codon 234 of the MUTYH protein (p.Val234Met). This variant is present in population databases (rs200165598, gnomAD 0.02%). This missense change has been observed in individual(s) with colon cancer and/or clinical features of MUTYH-associated polyposis (MAP) (PMID: 14991577, 16774938, 30374176; internal data). In at least one individual the data is consistent with being in trans (on the opposite chromosome) from a pathogenic variant. This variant is also known as c.658G>A (p.Val220Met). ClinVar contains an entry for this variant (Variation ID: 135989). An algorithm developed to predict the effect of missense changes on protein structure and function (PolyPhen-2) suggests that this variant is likely to be disruptive. Experimental studies have shown that this missense change affects MUTYH function (PMID: 25820570, 26694661). For these reasons, this variant has been classified as Pathogenic.

Center for Genomic Medicine, Rigshospitalet, Copenhagen University Hospital
Classification: Uncertain significance. Last evaluated: 2025-12-29. Review status: criteria provided, single submitter. Criteria: ACMG Guidelines, 2015. Collection method: clinical testing. Allele origin: germline.
Comment: Classification criteria: PP3, PM3

Ambry Genetics
Classification: Likely pathogenic for Hereditary cancer-predisposing syndrome. Last evaluated: 2025-09-05. Review status: criteria provided, single submitter. Criteria: Ambry Variant Classification Scheme 2023. Collection method: clinical testing. Allele origin: germline.
Comment: The p.V234M variant (also known as c.700G>A), located in exon 9 of the MUTYH gene, results from a G to A substitution at nucleotide position 700. The valine at codon 234 is replaced by methionine, an amino acid with highly similar properties. This variant has been reported in the heterozygous state in multiple colorectal cancer/polyposis and HNPCC/HNPCC-like cohorts to date (Peterlongo P et al. Carcinogenesis. 2006 Nov;27:2243-9; Fleischmann C et al. Int. J. Cancer. 2004 Apr;109:554-8; DeRycke MS et al. Mol Genet Genomic Med, 2017 Sep;5:553-569; Gordon AS et al. Am J Hum Genet, 2019 09;105:526-533; Patel SG et al. Hered Cancer Clin Pract, 2021 Jan;19:8). In two studies, it was reported to have at least partial function in bacterial and human cell-line based glycosylase and mutagenesis assays (Komine K et al. Hum. Mutat. 2015 Jul;36:704-11; Shinmura K et al. Hum. Mutat. 2016 Apr;37:350-3). This variant segregated with colon cancer or colon polyps in five siblings reported to have co-occurrence with a pathogenic MUTYH founder mutation, which was confirmed to be in trans through familial testing (Tsai GJ et al. Genet. Med. 2019 06;21:1435-1442). This variant has also been identified likely in trans with a MUTYH likely pathogenic or pathogenic variant in multiple individuals with clinical features of MUTYH-associated polyposis (Ambry internal data). Based on internal structural analysis, this variant is anticipated to disrupt a region of known function (Ambry internal data; Guan Y et al. Nat. Struct. Biol. 1998 Dec;5:1058-64; Manuel RC et al. J. Biol. Chem. 2004 Nov;279:46930-9). Of note, this variant is also designated as V220M in published literature. This amino acid position is not well conserved in available vertebrate species. In addition, this alteration is predicted to be deleterious by in silico analysis. Based on the majority of available evidence to date, this variant is likely to be pathogenic.

Color Diagnostics, LLC DBA Color Health
Classification: Likely pathogenic for Hereditary cancer-predisposing syndrome. Last evaluated: 2025-08-04. Review status: criteria provided, single submitter. Criteria: ACMG Guidelines, 2015. Collection method: clinical testing. Allele origin: germline.
Comment: This missense variant replaces valine with methionine at codon 234 of the MUTYH protein (NM\\\\_001128425.1). This variant has also been reported as Val206Met in the context of an alternative transcript (NM\\\\_001048174.2). Computational prediction suggests that this variant may have deleterious impact on protein structure and function. A functional study has shown the mutant protein to exhibit a partial defect in DNA mismatch repair assay in a bacterial system (PMID: 25820570) but a near normal DNA mismatch repair activity in human cells despite partially reduced DNA glycosylase activity (PMID: 26694661). This variant has been reported in the compound heterozygous state with two different pathogenic MUTYH variants in two unrelated individuals affected with colorectal polyposis and cancer (PMID: 20618354, 30374176). For one of these probands, the same biallelic mutations were observed in four other siblings also affected with colorectal polyposis and cancer (PMID: 30374176). Additional individuals affected with colorectal polyposis and/or cancer who carried another disease causing variant in the same gene have been reported by external laboratories (ClinVar SCV000211403.14, SCV000186820.7, external communication). This variant has also been observed in heterozygous individuals affected with colorectal cancer (PMID: 14991577, 16774938, 25980754). This variant has been identified in 24/282044 chromosomes (23/128662 Non-Finnish European chromosomes) in the general population by the Genome Aggregation Database (gnomAD). Based on the available evidence, this variant is classified as Likely Pathogenic.